The following is an entry in ClinVar:

ClinVar aggregate classification (germline): Uncertain significance (1 of 4 stars; one submission).

Conditions:
Hereditary cancer-predisposing syndrome. Also called: Hereditary neoplastic syndrome; Neoplastic Syndromes, Hereditary; Tumor predisposition; Hereditary Cancer Syndrome. Identifiers: Orphanet 140162, MedGen C0027672, MeSH D009386, MONDO:0015356.

Submission:

Ambry Genetics
Classification: Uncertain significance for Hereditary cancer-predisposing syndrome. Last evaluated: 2025-08-27. Review status: criteria provided, single submitter. Criteria: Ambry Variant Classification Scheme 2023. Collection method: clinical testing. Allele origin: germline.
Comment: The p.Q210H variant (also known as c.630G>T), located in coding exon 8 of the MUTYH gene, results from a G to T substitution at nucleotide position 630. The glutamine at codon 210 is replaced by histidine, an amino acid with highly similar properties. This amino acid position is conserved. In addition, the in silico prediction for this alteration is inconclusive. Based on the available evidence, the clinical significance of this variant remains unclear.

NM_001048174.2(MUTYH):c.546G>T (p.Gln182His)

Gene: MUTYH (mutY DNA glycosylase; minus strand). Cytogenetic location: 1p34.1.
Variant type: single nucleotide variant.
Coding change: c.546G>T on transcript NM_001048174.2 (MANE Select); coding-DNA position 546, G replaced by T.
Protein change: p.Gln182His; replaces glutamine 182 with histidine.
Molecular consequence: missense variant. On other transcripts: non-coding transcript variant (7).
Genome position (GRCh38, 1-based): chr1:45,332,634, C>A on the plus strand (G>T on the coding strand, the complement: MUTYH is on the minus strand). VCF-style: chr1-45332634-C-A. GRCh37 (hg19) VCF-style: chr1-45798306-C-A.
Other names: c.546G>T, p.Gln182His (NM_001048171.2, NM_001048173.2, NM_001293195.2 and 6 more transcripts); c.549G>T, p.Gln183His (NM_001048172.2, NM_001407078.1, NM_001407071.1 and 1 more transcripts); c.630G>T, p.Gln210His (NM_001128425.2); c.591G>T, p.Gln197His (NM_001293190.2); c.579G>T, p.Gln193His (NM_001293191.2, NM_001407077.1, NM_001407069.1); c.270G>T, p.Gln90His (NM_001293192.2, NM_001293196.2, NM_001407091.1); c.507G>T, p.Gln169His (NM_001407079.1); c.201G>T, p.Gln67His (NM_001350650.2, NM_001350651.2, NM_001407082.1); and 5 more; short protein forms Q182H, Q196H, Q207H, Q154H, Q193H, Q90H, Q168H, Q189H.
Identifiers: ClinVar variation 4113779 (VCV004113779.1).